The following is an entry in ClinVar:

NM_001001331.4(ATP2B2):c.1549G>A (p.Gly517Ser)

Gene: ATP2B2 (ATPase plasma membrane Ca2+ transporting 2; minus strand). Cytogenetic location: 3p25.3.
Variant type: single nucleotide variant.
Coding change: c.1549G>A on transcript NM_001001331.4 (MANE Select); coding-DNA position 1549, G replaced by A.
Protein change: p.Gly517Ser; replaces glycine 517 with serine.
Molecular consequence: missense variant.
Genome position (GRCh38, 1-based): chr3:10,371,919, C>T on the plus strand (G>A on the coding strand, the complement: ATP2B2 is on the minus strand). VCF-style: chr3-10371919-C-T. GRCh37 (hg19) VCF-style: chr3-10413603-C-T.
Other names: c.1414G>A, p.Gly472Ser (NM_001330611.3, NM_001353564.1, NM_001363862.1 and 1 more transcripts); c.1414G>A (NM_001683.3); short protein forms G472S, G517S.
Identifiers: ClinVar variation 2179913 (VCV002179913.5), dbSNP rs764150216, ClinGen allele CA2253643.

ClinVar aggregate classification (germline): Uncertain significance. Review status: criteria provided, multiple submitters, no conflicts (2 of 4 stars). 2 submissions from 2 submitters: Uncertain significance (2). Last evaluated 2026-07-31.

Conditions:
ATP2B2-related disorder. Also called: ATP2B2-related condition.

Allele frequency attached by ClinVar (database versions not stated): gnomAD exomes 0.00001; ExAC 0.00002; TOPMed 0.00003.
gnomAD v4.1: 23 of 1,614,124 alleles (0.0014%); highest among the groups gnomAD compares: Middle Eastern, 0.016%; no homozygotes.

Submissions (2):

PreventionGenetics, part of Exact Sciences
Classification: Uncertain significance for ATP2B2-related condition. Last evaluated: 2026-07-31. Review status: criteria provided, single submitter. Criteria: ACMG Guidelines, 2015. Collection method: clinical testing. Allele origin: germline.
Comment: The ATP2B2 c.1414G>A variant is predicted to result in the amino acid substitution p.Gly472Ser. To our knowledge, this variant has not been reported in the literature. This variant is reported in 0.0087% of alleles in individuals of Latino descent in gnomAD. At this time, the clinical significance of this variant is uncertain due to the absence of conclusive functional and genetic evidence.

Labcorp Genetics (formerly Invitae), Labcorp
Classification: Uncertain significance. Last evaluated: 2025-07-14. Review status: criteria provided, single submitter. Criteria: Invitae Variant Classification Sherloc (09022015). Collection method: clinical testing. Allele origin: germline.
Comment: This sequence change replaces glycine, which is neutral and non-polar, with serine, which is neutral and polar, at codon 472 of the ATP2B2 protein (p.Gly472Ser). This variant is present in population databases (rs764150216, gnomAD 0.009%). This variant has not been reported in the literature in individuals affected with ATP2B2-related conditions. ClinVar contains an entry for this variant (Variation ID: 2179913). Invitae Evidence Modeling of protein sequence and biophysical properties (such as structural, functional, and spatial information, amino acid conservation, physicochemical variation, residue mobility, and thermodynamic stability) indicates that this missense variant is not expected to disrupt ATP2B2 protein function with a negative predictive value of 80%. In summary, the available evidence is currently insufficient to determine the role of this variant in disease. Therefore, it has been classified as a Variant of Uncertain Significance.